The following is an entry in ClinVar:

NM_001130004.2(ACTN1):c.202_204delinsTTT (p.Leu68Phe)

Gene: ACTN1 (actinin alpha 1; minus strand). Cytogenetic location: 14q24.1.
Variant type: Indel.
Coding change: c.202_204delinsTTT on transcript NM_001130004.2 (MANE Select); coding-DNA positions 202 to 204, CTG replaced by TTT.
Protein change: p.Leu68Phe; replaces leucine 68 with phenylalanine.
Molecular consequence: missense variant. On other transcripts: 5 prime UTR variant (1).
Genome position (GRCh38, 1-based): chr14:68,925,574-68,925,576, CAG replaced by AAA on the plus strand (CTG replaced by TTT on the coding strand, the reverse complement: ACTN1 is on the minus strand). VCF-style: chr14-68925574-CAG-AAA. GRCh37 (hg19) VCF-style: chr14-69392291-CAG-AAA.
Other names: c.202_204delinsTTT, p.Leu68Phe (NM_001102.4, NM_001130005.2, NM_001411035.1 and 10 more transcripts); c.202_204delCTGinsTTT, p.Leu68Phe (NM_001130004.1); c.7_9delinsTTT, p.Leu3Phe (NM_001411036.1, NM_001424026.1, NM_001424028.1); c.289_291delinsTTT, p.Leu97Phe (NM_001424015.1); c.199_201delinsTTT, p.Leu67Phe (NM_001424017.1); c.139_141delinsTTT, p.Leu47Phe (NM_001424018.1, NM_001424020.1, NM_001424022.1); c.133_135delinsTTT, p.Leu45Phe (NM_001424021.1); c.-709_-707delinsTTT (NM_001424030.1); short protein forms L3F, L45F, L47F, L67F, L68F, L97F.
Identifiers: ClinVar variation 3344152 (VCV003344152.1).

ClinVar aggregate classification (germline): Uncertain significance (0 of 4 stars; one submission).

Conditions:
ACTN1-related disorder. Also called: ACTN1-related condition.

Submission:

PreventionGenetics, part of Exact Sciences
Classification: Uncertain significance for ACTN1-related condition. Last evaluated: 2024-04-17. Review status: no assertion criteria provided. Collection method: clinical testing. Allele origin: germline.
Comment: The ACTN1 c.202_204delinsTTT variant is predicted to result in an in-frame deletion and insertion. To our knowledge, this variant has not been reported in the literature or in a large population database, indicating this variant is rare. At this time, the clinical significance of this variant is uncertain due to the absence of conclusive functional and genetic evidence.